The following is an entry in ClinVar:

ClinVar aggregate classification (germline): Uncertain significance (1 of 4 stars; one submission).

Conditions:
Dilated cardiomyopathy 1Z (CMD1Z). Identifiers: Orphanet 154, MedGen C2678475, MONDO:0012745, OMIM 611879.
Hypertrophic cardiomyopathy 13. Also called: TNNC1-Related Familial Hypertrophic Cardiomyopathy. Identifiers: MedGen C2750472, MONDO:0013195, OMIM 613243.

Submission:

Labcorp Genetics (formerly Invitae), Labcorp
Classification: Uncertain significance for Hypertrophic cardiomyopathy 13; Dilated cardiomyopathy 1Z. Last evaluated: 2022-06-27. Review status: criteria provided, single submitter. Criteria: Invitae Variant Classification Sherloc (09022015). Collection method: clinical testing. Allele origin: germline.
Comment: This sequence change replaces leucine, which is neutral and non-polar, with phenylalanine, which is neutral and non-polar, at codon 100 of the TNNC1 protein (p.Leu100Phe). In summary, the available evidence is currently insufficient to determine the role of this variant in disease. Therefore, it has been classified as a Variant of Uncertain Significance. Algorithms developed to predict the effect of missense changes on protein structure and function (SIFT, PolyPhen-2, Align-GVGD) all suggest that this variant is likely to be tolerated. This variant has not been reported in the literature in individuals affected with TNNC1-related conditions. This variant is not present in population databases (gnomAD no frequency).

NM_003280.3(TNNC1):c.298C>T (p.Leu100Phe)

Gene: TNNC1 (troponin C1, slow skeletal and cardiac type; minus strand). Cytogenetic location: 3p21.1.
Variant type: single nucleotide variant.
Coding change: c.298C>T on transcript NM_003280.3 (MANE Select); coding-DNA position 298, C replaced by T.
Protein change: p.Leu100Phe; replaces leucine 100 with phenylalanine.
Molecular consequence: missense variant.
Genome position (GRCh38, 1-based): chr3:52,451,763, G>A on the plus strand (C>T on the coding strand, the complement: TNNC1 is on the minus strand). VCF-style: chr3-52451763-G-A. GRCh37 (hg19) VCF-style: chr3-52485779-G-A.
Other names: short protein forms L100F.
Identifiers: ClinVar variation 1520122 (VCV001520122.8), dbSNP rs779157170, ClinGen allele CA353167023.
Genomic context (GRCh38, chr3:52,451,763, plus strand): 5'-GAGTGTGGGTCAGGGTCAGAGGTCAAGGGTCACGTGCTCACTTGTCAAACATGCGGAAGA[G>A]GTCAGACAGCTCCTCCTCAGATTTCCCTTTGCTGTCGTCCTTCATGCACCGAACCATCAT-3'
Protein context (NP_003271.1, residues 90-110): KGKSEEELSD[Leu100Phe]FRMFDKNADG